The following is an entry in ClinVar:

NM_006180.6(NTRK2):c.2244G>A (p.Thr748=)

Gene: NTRK2 (neurotrophic receptor tyrosine kinase 2; plus strand). Cytogenetic location: 9q21.33.
Variant type: single nucleotide variant.
Coding change: c.2244G>A on transcript NM_006180.6 (MANE Select); coding-DNA position 2244, G replaced by A.
Protein change: p.Thr748=; no amino-acid change (threonine 748 retained).
Molecular consequence: synonymous variant.
Genome position (GRCh38, 1-based): chr9:85,020,277, G>A. VCF-style: chr9-85020277-G-A. GRCh37 (hg19) VCF-style: chr9-87635192-G-A.
Other names: c.2196G>A, p.Thr732= (NM_001018064.3, NM_001369532.1, NM_001369533.1); c.2160G>A, p.Thr720= (NM_001369534.1); c.1728G>A, p.Thr576= (NM_001369535.1); c.1776G>A, p.Thr592= (NM_001369536.1); c.2244G>A (NM_006180.4).
Identifiers: ClinVar variation 1552225 (VCV001552225.10), dbSNP rs1010204088, ClinGen allele CA195830746.

ClinVar aggregate classification (germline): Likely benign. Review status: criteria provided, multiple submitters, no conflicts (2 of 4 stars). 3 submissions from 3 submitters: Likely benign (2). 1 of the submissions does not count toward it. Last evaluated 2025-12-09.

Conditions:
NTRK2-related disorder. Also called: NTRK2-related condition.

Allele frequency attached by ClinVar (database versions not stated): gnomAD 0.00001; gnomAD exomes 0.00001 and 0.00002; TOPMed 0.00002.
gnomAD v4.1: 12 of 1,613,914 alleles (0.00074%); highest among the groups gnomAD compares: South Asian, 0.0011%; no homozygotes.

Submissions (3):

Labcorp Genetics (formerly Invitae), Labcorp
Classification: Likely benign. Last evaluated: 2025-12-09. Review status: criteria provided, single submitter. Criteria: Invitae Variant Classification Sherloc (09022015). Collection method: clinical testing. Allele origin: germline.

Blueprint Genetics
Classification: Likely benign. Last evaluated: 2022-11-08. Review status: criteria provided, single submitter. Criteria: ACMG Guidelines, 2015. Collection method: clinical testing. Allele origin: germline.

PreventionGenetics, part of Exact Sciences
Classification: Likely benign for NTRK2-related condition. Last evaluated: 2019-06-14. Review status: no assertion criteria provided. Collection method: clinical testing. Allele origin: germline. Not counted in ClinVar's aggregate classification.
Comment: This variant is classified as likely benign based on ACMG/AMP sequence variant interpretation guidelines (Richards et al. 2015 PMID: 25741868, with internal and published modifications).